The following is an entry in ClinVar:

ClinVar aggregate classification (germline): Uncertain significance (1 of 4 stars; one submission).

Submission:

GeneDx
Classification: Uncertain significance. Last evaluated: 2019-11-18. Review status: criteria provided, single submitter. Criteria: GeneDx Variant Classification Process June 2021. Collection method: clinical testing. Allele origin: germline. Affected: yes.
Comment: Not observed in large population cohorts (Lek et al., 2016); The majority of missense variants in this gene are considered pathogenic (Stenson et al., 2014); In silico analysis, which includes protein predictors and evolutionary conservation, supports a deleterious effect; Has not been previously published as pathogenic or benign to our knowledge; This substitution is predicted to be within the extracellular loop between the S5 and S6 transmembrane segments of the fourth homologous domain

NM_001040142.2(SCN2A):c.5051A>G (p.Tyr1684Cys)

Gene: SCN2A (sodium voltage-gated channel alpha subunit 2; plus strand). Cytogenetic location: 2q24.3.
Variant type: single nucleotide variant.
Coding change: c.5051A>G on transcript NM_001040142.2 (MANE Select); coding-DNA position 5051, A replaced by G.
Protein change: p.Tyr1684Cys; replaces tyrosine 1684 with cysteine.
Molecular consequence: missense variant.
Genome position (GRCh38, 1-based): chr2:165,388,857, A>G. VCF-style: chr2-165388857-A-G. GRCh37 (hg19) VCF-style: chr2-166245367-A-G.
Other names: c.5051A>G, p.Tyr1684Cys (NM_001040143.2, NM_001371246.1, NM_001371247.1 and 1 more transcripts); short protein forms Y1684C.
Identifiers: ClinVar variation 1321107 (VCV001321107.2), dbSNP rs2105402488, ClinGen allele CA349038082.